The following is an entry in ClinVar:

ClinVar aggregate classification (germline): Uncertain significance. Review status: criteria provided, multiple submitters, no conflicts (2 of 4 stars). 3 submissions from 3 submitters: Uncertain significance (3). Last evaluated 2025-04-07.

Conditions:
Inborn genetic diseases. Identifiers: MedGen C0950123, MeSH D030342.
Propionic acidemia (PROP). Also called: GLYCINEMIA, KETOTIC; HYPERGLYCINEMIA WITH KETOACIDOSIS AND LEUKOPENIA; KETOTIC HYPERGLYCINEMIA. Identifiers: Orphanet 35, MedGen C0268579, MONDO:0011628, OMIM 606054, HP:0003571.

Allele frequency attached by ClinVar (database versions not stated): gnomAD exomes 0.00001; TOPMed 0.00001; gnomAD 0.00002.
gnomAD v4.1: 14 of 1,613,960 alleles (0.00087%); highest among the groups gnomAD compares: African/African-American, 0.0013%; no homozygotes.

Submissions (3):

Labcorp Genetics (formerly Invitae), Labcorp
Classification: Uncertain significance for Propionic acidemia. Last evaluated: 2025-04-07. Review status: criteria provided, single submitter. Criteria: Invitae Variant Classification Sherloc (09022015). Collection method: clinical testing. Allele origin: germline.
Comment: This sequence change replaces aspartic acid, which is acidic and polar, with asparagine, which is neutral and polar, at codon 450 of the PCCB protein (p.Asp450Asn). This variant is not present in population databases (gnomAD no frequency). This variant has not been reported in the literature in individuals affected with PCCB-related conditions. ClinVar contains an entry for this variant (Variation ID: 1989879). Invitae Evidence Modeling of protein sequence and biophysical properties (such as structural, functional, and spatial information, amino acid conservation, physicochemical variation, residue mobility, and thermodynamic stability) indicates that this missense variant is expected to disrupt PCCB protein function with a positive predictive value of 95%. In summary, the available evidence is currently insufficient to determine the role of this variant in disease. Therefore, it has been classified as a Variant of Uncertain Significance.

Ambry Genetics
Classification: Uncertain significance for Inborn genetic diseases. Last evaluated: 2024-07-30. Review status: criteria provided, single submitter. Criteria: Ambry Variant Classification Scheme 2023. Collection method: clinical testing. Allele origin: germline.

Revvity Omics, Revvity
Classification: Uncertain significance for Propionic acidemia. Last evaluated: 2022-07-01. Review status: criteria provided, single submitter. Criteria: ACMG Guidelines, 2015. Collection method: clinical testing. Allele origin: germline.

NM_000532.5(PCCB):c.1348G>A (p.Asp450Asn)

Gene: PCCB (propionyl-CoA carboxylase subunit beta; plus strand). Cytogenetic location: 3q22.3.
Variant type: single nucleotide variant.
Coding change: c.1348G>A on transcript NM_000532.5 (MANE Select); coding-DNA position 1348, G replaced by A.
Protein change: p.Asp450Asn; replaces aspartic acid 450 with asparagine.
Molecular consequence: missense variant.
Genome position (GRCh38, 1-based): chr3:136,327,682, G>A. VCF-style: chr3-136327682-G-A. GRCh37 (hg19) VCF-style: chr3-136046524-G-A.
Other names: c.1348G>A (NM_000532.4); c.1408G>A, p.Asp470Asn (NM_001178014.2); short protein forms D450N, D470N.
Identifiers: ClinVar variation 1989879 (VCV001989879.6), dbSNP rs1270845236, ClinGen allele CA354649375.
Genomic context (GRCh38, chr3:136,327,682, plus strand): 5'-GATCTGTTTTAGGCCTATGGAGGTGCCTATGATGTCATGAGCTCTAAGCACCTTTGTGGT[G>A]ATACCAACTATGCCTGGCCCACCGCAGAGATTGCAGTCATGGGAGCAAAGGTGAGGGCCT-3'
Protein context (NP_000523.2, residues 440-460): DVMSSKHLCG[Asp450Asn]TNYAWPTAEI